The following is an entry in ClinVar:

ClinVar aggregate classification (germline): Uncertain significance (1 of 4 stars; one submission).

Submission:

Labcorp Genetics (formerly Invitae), Labcorp
Classification: Uncertain significance. Last evaluated: 2025-10-28. Review status: criteria provided, single submitter. Criteria: Invitae Variant Classification Sherloc (09022015). Collection method: clinical testing. Allele origin: germline.
Comment: This sequence change replaces serine, which is neutral and polar, with cysteine, which is neutral and slightly polar, at codon 547 of the HNF1B protein (p.Ser547Cys). This variant is not present in population databases (gnomAD no frequency). This variant has not been reported in the literature in individuals affected with HNF1B-related conditions. Invitae Evidence Modeling of protein sequence and biophysical properties (such as structural, functional, and spatial information, amino acid conservation, physicochemical variation, residue mobility, and thermodynamic stability) indicates that this missense variant is not expected to disrupt HNF1B protein function with a negative predictive value of 80%. In summary, the available evidence is currently insufficient to determine the role of this variant in disease. Therefore, it has been classified as a Variant of Uncertain Significance.

NM_000458.4(HNF1B):c.1640C>G (p.Ser547Cys)

Gene: HNF1B (HNF1 homeobox B; minus strand). Cytogenetic location: 17q12.
Variant type: single nucleotide variant.
Coding change: c.1640C>G on transcript NM_000458.4 (MANE Select); coding-DNA position 1640, C replaced by G.
Protein change: p.Ser547Cys; replaces serine 547 with cysteine.
Molecular consequence: missense variant. On other transcripts: intron variant (2).
Genome position (GRCh38, 1-based): chr17:37,699,089, G>C on the plus strand (C>G on the coding strand, the complement: HNF1B is on the minus strand). VCF-style: chr17-37699089-G-C. GRCh37 (hg19) VCF-style: chr17-36059095-G-C.
Other names: c.1562C>G, p.Ser521Cys (NM_001165923.4); c.1261+5828C>G (NM_001304286.2); c.1534+1894C>G (NM_001411100.1); short protein forms S521C, S547C.
Identifiers: ClinVar variation 4740538 (VCV004740538.1).